The following is an entry in ClinVar:

ClinVar aggregate classification (germline): Benign. Review status: criteria provided, single submitter (1 of 4 stars). 2 submissions from 2 submitters: Benign (1). 1 of the submissions does not count toward it. Last evaluated 2026-01-10.

Conditions:
CACNA1D-related disorder.

Allele frequency attached by ClinVar (database versions not stated): gnomAD exomes 0.00005 and 0.00012; ExAC 0.00013; 1000 Genomes Project 30x 0.00016; 1000 Genomes Project 0.00020; TOPMed 0.00031; gnomAD 0.00033 and 0.00039; ESP Exome Variant Server 0.00038.
gnomAD v4.1: 116 of 1,614,086 alleles (0.0072%); highest among the groups gnomAD compares: African/African-American, 0.1%; 1 homozygote.

Submissions (2):

Labcorp Genetics (formerly Invitae), Labcorp
Classification: Benign. Last evaluated: 2026-01-10. Review status: criteria provided, single submitter. Criteria: Invitae Variant Classification Sherloc (09022015). Collection method: clinical testing. Allele origin: germline.

PreventionGenetics, part of Exact Sciences
Classification: Likely benign for CACNA1D-related condition. Last evaluated: 2019-09-10. Review status: no assertion criteria provided. Collection method: clinical testing. Allele origin: germline. Not counted in ClinVar's aggregate classification.
Comment: This variant is classified as likely benign based on ACMG/AMP sequence variant interpretation guidelines (Richards et al. 2015 PMID: 25741868, with internal and published modifications).

NM_001128840.3(CACNA1D):c.3252C>T (p.Phe1084=)

Gene: CACNA1D (calcium voltage-gated channel subunit alpha1 D; plus strand). Cytogenetic location: 3p21.1.
Variant type: single nucleotide variant.
Coding change: c.3252C>T on transcript NM_001128840.3 (MANE Select); coding-DNA position 3252, C replaced by T.
Protein change: p.Phe1084=; no amino-acid change (phenylalanine 1084 retained).
Molecular consequence: synonymous variant.
Genome position (GRCh38, 1-based): chr3:53,747,386, C>T. VCF-style: chr3-53747386-C-T. GRCh37 (hg19) VCF-style: chr3-53781413-C-T.
Other names: c.3312C>T (NM_000720.3); c.3312C>T, p.Phe1104= (NM_000720.4); c.3252C>T, p.Phe1084= (NM_001128839.3).
Identifiers: ClinVar variation 1600101 (VCV001600101.10), dbSNP rs139767790, ClinGen allele CA2454503.
Genomic context (GRCh38, chr3:53,747,386, plus strand): 5'-TGGGGATGTTGACAGTCCTGTGGTCCGTGAACGGATCTGGCAAAACAGTGATTTCAACTT[C>T]GACAACGTCCTCTCTGCTATGATGGCGCTCTTCACAGTCTCCACGTTTGAGGGCTGGCCT-3'
Protein context (NP_001122312.1, residues 1074-1094): ERIWQNSDFN[Phe1084=]DNVLSAMMAL